The following is an entry in ClinVar:

NM_004304.5(ALK):c.2825C>G (p.Ala942Gly)

Gene: ALK (ALK receptor tyrosine kinase; minus strand). Cytogenetic location: 2p23.2.
Variant type: single nucleotide variant.
Coding change: c.2825C>G on transcript NM_004304.5 (MANE Select); coding-DNA position 2825, C replaced by G.
Protein change: p.Ala942Gly; replaces alanine 942 with glycine.
Molecular consequence: missense variant.
Genome position (GRCh38, 1-based): chr2:29,227,663, G>C on the plus strand (C>G on the coding strand, the complement: ALK is on the minus strand). VCF-style: chr2-29227663-G-C. GRCh37 (hg19) VCF-style: chr2-29450529-G-C.
Other names: short protein forms A942G.
Identifiers: ClinVar variation 4713559 (VCV004713559.1).

ClinVar aggregate classification (germline): Uncertain significance (1 of 4 stars; one submission).

Conditions:
Neuroblastoma, susceptibility to, 3. Also called: ALK-Related Neuroblastic Tumor Susceptibility. Identifiers: Orphanet 635, MedGen C2751681, MONDO:0013083, OMIM 613014.

gnomAD v4.1: 1 of 1,613,820 alleles (0.000062%); highest among the groups gnomAD compares: South Asian, 0.0011%; no homozygotes.

Submission:

Labcorp Genetics (formerly Invitae), Labcorp
Classification: Uncertain significance for Neuroblastoma, susceptibility to, 3. Last evaluated: 2025-02-20. Review status: criteria provided, single submitter. Criteria: Invitae Variant Classification Sherloc (09022015). Collection method: clinical testing. Allele origin: germline.
Comment: This sequence change replaces alanine, which is neutral and non-polar, with glycine, which is neutral and non-polar, at codon 942 of the ALK protein (p.Ala942Gly). This variant is not present in population databases (gnomAD no frequency). This variant has not been reported in the literature in individuals affected with ALK-related conditions. An algorithm developed to predict the effect of missense changes on protein structure and function (PolyPhen-2) suggests that this variant is likely to be disruptive. In summary, the available evidence is currently insufficient to determine the role of this variant in disease. Therefore, it has been classified as a Variant of Uncertain Significance.